The following is an entry in ClinVar:

ClinVar aggregate classification (germline): Uncertain significance (1 of 4 stars; one submission).

Conditions:
Inborn genetic diseases. Identifiers: MedGen C0950123, MeSH D030342.

gnomAD v4.1: 14 of 1,613,342 alleles (0.00087%); highest among the groups gnomAD compares: Admixed American, 0.0033%; no homozygotes.

Submission:

Ambry Genetics
Classification: Uncertain significance for Inborn genetic diseases. Last evaluated: 2026-02-23. Review status: criteria provided, single submitter. Criteria: Ambry Variant Classification Scheme 2023. Collection method: clinical testing. Allele origin: germline.
Comment: The c.425G>A (p.R142H) alteration is located in exon 6 (coding exon 5) of the NDUFS8 gene. This alteration results from a G to A substitution at nucleotide position 425, causing the arginine (R) at amino acid position 142 to be replaced by a histidine (H). Based on data from gnomAD, the A allele has an overall frequency of 0.002% (4/249344) total alleles studied. The highest observed frequency was 0.005% (1/21372) of European (Finnish) alleles. Based on insufficient or conflicting evidence, the clinical significance of this alteration remains unclear.

NM_002496.4(NDUFS8):c.425G>A (p.Arg142His)

Gene: NDUFS8 (NADH:ubiquinone oxidoreductase core subunit S8; plus strand). Cytogenetic location: 11q13.2.
Variant type: single nucleotide variant.
Coding change: c.425G>A on transcript NM_002496.4 (MANE Select); coding-DNA position 425, G replaced by A.
Protein change: p.Arg142His; replaces arginine 142 with histidine.
Molecular consequence: missense variant.
Genome position (GRCh38, 1-based): chr11:68,036,305, G>A. VCF-style: chr11-68036305-G-A. GRCh37 (hg19) VCF-style: chr11-67803772-G-A.
Other names: short protein forms R142H.
Identifiers: ClinVar variation 4830316 (VCV004830316.1).